The following is an entry in ClinVar:

NM_033305.3(VPS13A):c.1777T>C (p.Tyr593His)

Gene: VPS13A (vacuolar protein sorting 13 homolog A; plus strand). Cytogenetic location: 9q21.2.
Variant type: single nucleotide variant.
Coding change: c.1777T>C on transcript NM_033305.3 (MANE Select); coding-DNA position 1777, T replaced by C.
Protein change: p.Tyr593His; replaces tyrosine 593 with histidine.
Molecular consequence: missense variant.
Genome position (GRCh38, 1-based): chr9:77,238,183, T>C. VCF-style: chr9-77238183-T-C. GRCh37 (hg19) VCF-style: chr9-79853099-T-C.
Other names: c.1777T>C, p.Tyr593His (NM_001018037.2, NM_001018038.3, NM_015186.4); short protein forms Y593H.
Identifiers: ClinVar variation 3898940 (VCV003898940.1).
Genomic context (GRCh38, chr9:77,238,183, plus strand): 5'-CCATTAGATGAAACTGTTTCTCAGAGGTGTATCATAGAAGCTGAACCTTTAGAAATCATA[T>C]ATGATGCAGTAAGCATTTTTTTAAATTACTAAGTTTTAATATAATTTAGTTTGCTTTGAG-3'
Protein context (NP_150648.2, residues 583-603): IIEAEPLEII[Tyr593His]DARTVNSIVE

ClinVar aggregate classification (germline): Uncertain significance (1 of 4 stars; one submission).

gnomAD v4.1: 5 of 1,612,942 alleles (0.00031%); highest among the groups gnomAD compares: African/African-American, 0.0013%; no homozygotes.

Submission:

GeneDx
Classification: Uncertain significance. Last evaluated: 2024-11-08. Review status: criteria provided, single submitter. Criteria: GeneDx Variant Classification Process June 2021. Collection method: clinical testing. Allele origin: germline. Affected: yes.
Comment: Not observed at significant frequency in large population cohorts (gnomAD); In silico analysis supports that this missense variant has a deleterious effect on protein structure/function; Has not been previously published as pathogenic or benign to our knowledge